The following is an entry in ClinVar:

ClinVar aggregate classification (germline): Pathogenic (1 of 4 stars; one submission).

Conditions:
Multiple epiphyseal dysplasia type 1. Also called: COMP-Related Multiple Epiphyseal Dysplasia. Identifiers: Orphanet 93308, MedGen C1838280, MONDO:0007561, OMIM 132400.
Pseudoachondroplastic spondyloepiphyseal dysplasia syndrome (PSACH). Also called: COMP-Related Pseudoachondroplasia; PSEUDOACHONDROPLASTIC DYSPLASIA; Pseudoachondroplasia. Identifiers: Orphanet 750, MedGen C0410538, MONDO:0008322, OMIM 177170.
Carpal tunnel syndrome 2. Identifiers: MedGen C5436916, MONDO:0030883, OMIM 619161.

Submission:

Juno Genomics, Hangzhou Juno Genomics, Inc
Classification: Pathogenic for Carpal tunnel syndrome 2; Multiple epiphyseal dysplasia type 1; Pseudoachondroplastic spondyloepiphyseal dysplasia syndrome. Review status: criteria provided, single submitter. Criteria: ACMG Guidelines, 2015. Collection method: clinical testing. Allele origin: germline. Affected: yes.
Comment: Absent from controls (or at extremely low frequency if recessive) in Genome Aggregation Database.;Multiple lines of computational evidence support a deleterious effect on the gene or gene product.;De novo (both maternity and paternity confirmed) in a patient with the disease and no family history.;Patient's phenotype or family history is highly specific for a disease with a single genetic etiology.;Novel missense change at an amino acid residue where a different missense change determined to be pathogenic has been seen before.

NM_000095.3(COMP):c.1336G>T (p.Asp446Tyr)

Gene: COMP (cartilage oligomeric matrix protein; minus strand). Cytogenetic location: 19p13.11.
Variant type: single nucleotide variant.
Coding change: c.1336G>T on transcript NM_000095.3 (MANE Select); coding-DNA position 1336, G replaced by T.
Protein change: p.Asp446Tyr; replaces aspartic acid 446 with tyrosine.
Molecular consequence: missense variant.
Genome position (GRCh38, 1-based): chr19:18,786,118, C>A on the plus strand (G>T on the coding strand, the complement: COMP is on the minus strand). VCF-style: chr19-18786118-C-A. GRCh37 (hg19) VCF-style: chr19-18896928-C-A.
Other names: short protein forms D446Y.
Identifiers: ClinVar variation 5019971 (VCV005019971.1).
Genomic context (GRCh38, chr19:18,786,118, plus strand): 5'-CACCCTGGCCATCGTGGTCTGAGTCCTCCTGGGCACTGTTAGGCACCGTGGGACAGTTGT[C>A]CCGAGAGTCCTGATGTCCGTCTCCATCCCTAGAGTGGATAGGTGGGATCCAGAGACAATG-3'
Protein context (NP_000086.2, residues 436-456): QDGDGHQDSR[Asp446Tyr]NCPTVPNSAQ